The following is an entry in ClinVar:

NM_001111067.4(ACVR1):c.1198A>G (p.Lys400Glu)

Gene: ACVR1 (activin A receptor type 1; minus strand). Cytogenetic location: 2q24.1.
Variant type: single nucleotide variant.
Coding change: c.1198A>G on transcript NM_001111067.4 (MANE Select); coding-DNA position 1198, A replaced by G.
Protein change: p.Lys400Glu; replaces lysine 400 with glutamic acid.
Molecular consequence: missense variant.
Genome position (GRCh38, 1-based): chr2:157,760,946, T>C on the plus strand (A>G on the coding strand, the complement: ACVR1 is on the minus strand). VCF-style: chr2-157760946-T-C. GRCh37 (hg19) VCF-style: chr2-158617458-T-C.
Other names: c.1198A>G, p.Lys400Glu (NM_001105.5, NM_001347663.1, NM_001347664.1 and 3 more transcripts); short protein forms K400E.
Identifiers: ClinVar variation 423871 (VCV000423871.2), dbSNP rs1064796674, ClinGen allele CA16617252.
Genomic context (GRCh38, chr2:157,760,946, plus strand): 5'-TCACCATCCGCCTGGCCACTTCCCACAAAACAAGTCCAAAGGCCCAAATATCGACCCTTT[T>C]ATAAGAATCGAAACAATCCACCTGGATGGTTTCATCTAGAACTTCGGGGGCCATGTAGCG-3'
Protein context (NP_001104537.1, residues 390-410): TIQVDCFDSY[Lys400Glu]RVDIWAFGLV

ClinVar aggregate classification (germline): Uncertain significance (1 of 4 stars; one submission).

Allele frequency attached by ClinVar (database versions not stated): gnomAD exomes below 0.00001.
gnomAD v4.1: 1 of 1,614,134 alleles (0.000062%); highest among the groups gnomAD compares: Non-Finnish European, 0.000085%; no homozygotes.

Submission:

GeneDx
Classification: Uncertain significance. Last evaluated: 2017-02-24. Review status: criteria provided, single submitter. Criteria: GeneDx Variant Classification (06012015). Collection method: clinical testing. Allele origin: germline. Affected: yes.
Comment: The K400E variant in the ACVR1 gene has not been reported previously as a pathogenic variant, nor as a benign variant, to our knowledge. The K400E variant is not observed in large population cohorts (Lek et al., 2016; 1000 Genomes Consortium et al., 2015; Exome Variant Server). The K400E variant is a non-conservative amino acid substitution, which is likely to impact secondary protein structure as these residues differ in polarity, charge, size and/or other properties. This substitution occurs at a position that is conserved across species. In silico analysis predicts this variant is probably damaging to the protein structure/function. We interpret K400E as a variant of uncertain significance.